The following is an entry in ClinVar:

NM_005869.4(CWC27):c.1225C>A (p.Pro409Thr)

Gene: CWC27 (CWC27 spliceosome associated cyclophilin; plus strand). Cytogenetic location: 5q12.3.
Variant type: single nucleotide variant.
Coding change: c.1225C>A on transcript NM_005869.4 (MANE Select); coding-DNA position 1225, C replaced by A.
Protein change: p.Pro409Thr; replaces proline 409 with threonine.
Molecular consequence: missense variant. On other transcripts: intron variant (1).
Genome position (GRCh38, 1-based): chr5:64,977,207, C>A. VCF-style: chr5-64977207-C-A. GRCh37 (hg19) VCF-style: chr5-64273034-C-A.
Other names: c.1152+5395C>A (NM_001297644.1); short protein forms P409T.
Identifiers: ClinVar variation 1050927 (VCV001050927.7), dbSNP rs774515994, ClinGen allele CA3282260.

ClinVar aggregate classification (germline): Uncertain significance (1 of 4 stars; one submission).

Allele frequency attached by ClinVar (database versions not stated): gnomAD exomes below 0.00001; ExAC 0.00001; gnomAD 0.00001; TOPMed 0.00001.
gnomAD v4.1: 24 of 1,611,488 alleles (0.0015%); highest among the groups gnomAD compares: Non-Finnish European, 0.002%; no homozygotes.

Submission:

Labcorp Genetics (formerly Invitae), Labcorp
Classification: Uncertain significance. Last evaluated: 2022-10-28. Review status: criteria provided, single submitter. Criteria: Invitae Variant Classification Sherloc (09022015). Collection method: clinical testing. Allele origin: germline.
Comment: This sequence change replaces proline, which is neutral and non-polar, with threonine, which is neutral and polar, at codon 409 of the CWC27 protein (p.Pro409Thr). This variant is present in population databases (rs774515994, gnomAD 0.0008%). This variant has not been reported in the literature in individuals affected with CWC27-related conditions. ClinVar contains an entry for this variant (Variation ID: 1050927). Algorithms developed to predict the effect of missense changes on protein structure and function (SIFT, PolyPhen-2, Align-GVGD) all suggest that this variant is likely to be tolerated. In summary, the available evidence is currently insufficient to determine the role of this variant in disease. Therefore, it has been classified as a Variant of Uncertain Significance.